The following is an entry in ClinVar:

NM_001684.5(ATP2B4):c.3581C>T (p.Ser1194Leu)

Gene: ATP2B4 (ATPase plasma membrane Ca2+ transporting 4; plus strand). Cytogenetic location: 1q32.1.
Variant type: single nucleotide variant.
Coding change: c.3581C>T on transcript NM_001684.5 (MANE Select); coding-DNA position 3581, C replaced by T.
Protein change: p.Ser1194Leu; replaces serine 1194 with leucine.
Molecular consequence: missense variant. On other transcripts: 3 prime UTR variant (1).
Genome position (GRCh38, 1-based): chr1:203,739,817, C>T. VCF-style: chr1-203739817-C-T. GRCh37 (hg19) VCF-style: chr1-203708945-C-T.
Other names: c.*246C>T (NM_001001396.3); short protein forms S1194L.
Identifiers: ClinVar variation 3048638 (VCV003048638.2), dbSNP rs77197094, ClinGen allele CA1342266.

ClinVar aggregate classification (germline): Benign (0 of 4 stars; one submission).

Conditions:
ATP2B4-related disorder. Also called: ATP2B4-related condition.

Allele frequency attached by ClinVar (database versions not stated): gnomAD exomes 0.00046; ESP Exome Variant Server 0.00054; gnomAD 0.00066; ExAC 0.00110; 1000 Genomes Project 0.00280; 1000 Genomes Project 30x 0.00375.
gnomAD v4.1: 792 of 1,614,086 alleles (0.049%); highest among the groups gnomAD compares: East Asian, 1.1%; no homozygotes.

Submission:

PreventionGenetics, part of Exact Sciences
Classification: Benign for ATP2B4-related condition. Last evaluated: 2019-03-25. Review status: no assertion criteria provided. Collection method: clinical testing. Allele origin: germline.
Comment: This variant is classified as benign based on ACMG/AMP sequence variant interpretation guidelines (Richards et al. 2015 PMID: 25741868, with internal and published modifications).